The following is an entry in ClinVar:

ClinVar aggregate classification (germline): Likely benign (0 of 4 stars; one submission).

Conditions:
MSR1-related disorder. Also called: MSR1-related condition.

Allele frequency attached by ClinVar (database versions not stated): ExAC 0.00001; gnomAD 0.00001; TOPMed 0.00002.
gnomAD v4.1: 50 of 1,613,900 alleles (0.0031%); highest among the groups gnomAD compares: Non-Finnish European, 0.0039%; no homozygotes.

Submission:

PreventionGenetics, part of Exact Sciences
Classification: Likely benign for MSR1-related condition. Last evaluated: 2019-07-23. Review status: no assertion criteria provided. Collection method: clinical testing. Allele origin: germline.
Comment: This variant is classified as likely benign based on ACMG/AMP sequence variant interpretation guidelines (Richards et al. 2015 PMID: 25741868, with internal and published modifications).

NM_138715.3(MSR1):c.630+7G>A

Gene: MSR1 (macrophage scavenger receptor 1; minus strand). Cytogenetic location: 8p22.
Variant type: single nucleotide variant.
Coding change: c.630+7G>A on transcript NM_138715.3 (MANE Select); 7 bases into the intron after coding-DNA position 630, G replaced by A.
Molecular consequence: intron variant.
Genome position (GRCh38, 1-based): chr8:16,168,451, C>T on the plus strand (G>A on the coding strand, the complement: MSR1 is on the minus strand). VCF-style: chr8-16168451-C-T. GRCh37 (hg19) VCF-style: chr8-16025960-C-T.
Other names: c.630+7G>A (NM_138716.3, NM_002445.4); c.684+7G>A (NM_001363744.1).
Identifiers: ClinVar variation 3050003 (VCV003050003.2), dbSNP rs747912839, ClinGen allele CA4641251.